The following is an entry in ClinVar:

NM_003805.5(CRADD):c.316A>T (p.Ile106Phe)

Gene: CRADD (CARD and death domain containing adaptor protein; plus strand). Cytogenetic location: 12q22.
Variant type: single nucleotide variant.
Coding change: c.316A>T on transcript NM_003805.5 (MANE Select); coding-DNA position 316, A replaced by T.
Protein change: p.Ile106Phe; replaces isoleucine 106 with phenylalanine.
Molecular consequence: missense variant. On other transcripts: intron variant (1).
Genome position (GRCh38, 1-based): chr12:93,849,987, A>T. VCF-style: chr12-93849987-A-T. GRCh37 (hg19) VCF-style: chr12-94243763-A-T.
Other names: c.316A>T (NM_003805.3); c.316A>T, p.Ile106Phe (NM_001320099.2); c.299-44063A>T (NM_001320100.2); short protein forms I106F.
Identifiers: ClinVar variation 1034028 (VCV001034028.2), dbSNP rs199846727, ClinGen allele CA6720201.

ClinVar aggregate classification (germline): Uncertain significance. Review status: criteria provided, multiple submitters, no conflicts (2 of 4 stars). 2 submissions from 2 submitters: Uncertain significance (2). Last evaluated 2025-05-06.

Conditions:
Inborn genetic diseases. Identifiers: MedGen C0950123, MeSH D030342.
Intellectual developmental disorder, autosomal recessive 34, with variant lissencephaly. Also called: Intellectual disability, autosomal recessive 34. Identifiers: Orphanet 88616, MedGen C3281044, MONDO:0013785, OMIM 614499.

Allele frequency attached by ClinVar (database versions not stated): TOPMed 0.00010.
gnomAD v4.1: 170 of 1,606,076 alleles (0.011%); highest among the groups gnomAD compares: Non-Finnish European, 0.014%; no homozygotes.

Submissions (2):

Ambry Genetics
Classification: Uncertain significance for Inborn genetic diseases. Last evaluated: 2025-05-06. Review status: criteria provided, single submitter. Criteria: Ambry Variant Classification Scheme 2023. Collection method: clinical testing. Allele origin: germline.

Baylor Genetics
Classification: Uncertain significance for Intellectual developmental disorder, autosomal recessive 34, with variant lissencephaly. Last evaluated: 2018-12-01. Review status: criteria provided, single submitter. Criteria: ACMG Guidelines, 2015. Collection method: clinical testing. Allele origin: unknown. Affected: yes.
Comment: This variant was determined to be of uncertain significance according to ACMG Guidelines, 2015 [PMID:25741868].